The following is an entry in ClinVar:

ClinVar aggregate classification (germline): Uncertain significance. Review status: criteria provided, multiple submitters, no conflicts (2 of 4 stars). 2 submissions from 2 submitters: Uncertain significance (2). Last evaluated 2024-02-13.

Conditions:
Beckwith-Wiedemann syndrome (BWS). Also called: EMG SYNDROME; Exomphalos macroglossia gigantism syndrome. Identifiers: Orphanet 116, MedGen C0004903, MONDO:0007534, OMIM 130650.
IMAGe syndrome. Also called: Intrauterine growth retardation, metaphyseal dysplasia, adrenal hypoplasia congenita, and genital anomalies; Intrauterine Growth Restriction, Metaphyseal Dysplasia, Adrenal Hypoplasia Congenita, and Genital Anomalies. Identifiers: Orphanet 85173, MedGen C1846009, MONDO:0013873, OMIM 614732.

Submissions (2):

Fulgent Genetics
Classification: Uncertain significance for Beckwith-Wiedemann syndrome; IMAGe syndrome. Last evaluated: 2024-02-13. Review status: criteria provided, single submitter. Criteria: ACMG Guidelines, 2015. Collection method: clinical testing. Allele origin: germline.

Labcorp Genetics (formerly Invitae), Labcorp
Classification: Uncertain significance for Beckwith-Wiedemann syndrome. Last evaluated: 2022-08-09. Review status: criteria provided, single submitter. Criteria: Invitae Variant Classification Sherloc (09022015). Collection method: clinical testing. Allele origin: germline.
Comment: This sequence change replaces glycine, which is neutral and non-polar, with aspartic acid, which is acidic and polar, at codon 234 of the CDKN1C protein (p.Gly234Asp). This variant is not present in population databases (gnomAD no frequency). This variant has not been reported in the literature in individuals affected with CDKN1C-related conditions. ClinVar contains an entry for this variant (Variation ID: 1403172). Algorithms developed to predict the effect of missense changes on protein structure and function are either unavailable or do not agree on the potential impact of this missense change (SIFT: "Deleterious"; PolyPhen-2: "Not Available"; Align-GVGD: "Class C0"). In summary, the available evidence is currently insufficient to determine the role of this variant in disease. Therefore, it has been classified as a Variant of Uncertain Significance.

NM_001122630.2(CDKN1C):c.668G>A (p.Gly223Asp)

Gene: CDKN1C (cyclin dependent kinase inhibitor 1C; minus strand). Cytogenetic location: 11p15.4.
Variant type: single nucleotide variant.
Coding change: c.668G>A on transcript NM_001122630.2 (MANE Select); coding-DNA position 668, G replaced by A.
Protein change: p.Gly223Asp; replaces glycine 223 with aspartic acid.
Molecular consequence: missense variant. On other transcripts: intron variant (1).
Genome position (GRCh38, 1-based): chr11:2,884,789, C>T on the plus strand (G>A on the coding strand, the complement: CDKN1C is on the minus strand). VCF-style: chr11-2884789-C-T. GRCh37 (hg19) VCF-style: chr11-2906019-C-T.
Other names: c.701G>A, p.Gly234Asp (NM_000076.2, NM_001362474.2); c.668G>A, p.Gly223Asp (NM_001122631.2); c.255+413G>A (NM_001362475.2); short protein forms G223D, G234D.
Identifiers: ClinVar variation 1403172 (VCV001403172.9), dbSNP rs1203065343, ClinGen allele CA379145816.